The following is an entry in ClinVar:

NM_182961.4(SYNE1):c.6724-3C>T

Genes: SYNE1 (spectrin repeat containing nuclear envelope protein 1; minus strand), SYNE1-AS2 (SYNE1 antisense RNA 2; plus strand). Cytogenetic location: 6q25.2.
Variant type: single nucleotide variant.
Coding change: c.6724-3C>T on transcript NM_182961.4 (MANE Select); 3 bases into the intron before coding-DNA position 6724, C replaced by T.
Molecular consequence: intron variant.
Genome position (GRCh38, 1-based): chr6:152,404,317, G>A on the plus strand (C>T on the coding strand, the complement: SYNE1 is on the minus strand). VCF-style: chr6-152404317-G-A. GRCh37 (hg19) VCF-style: chr6-152725452-G-A.
Other names: c.6745-3C>T (NM_033071.5, NM_033071.3).
Identifiers: ClinVar variation 1711865 (VCV001711865.2), dbSNP rs2494762278, ClinGen allele CA2580075229.

ClinVar aggregate classification (germline): Uncertain significance. Review status: criteria provided, multiple submitters, no conflicts (2 of 4 stars). 2 submissions from 2 submitters: Uncertain significance (2). Last evaluated 2025-06-25.

Conditions:
Arthrogryposis multiplex congenita 3, myogenic type. Also called: ARTHROGRYPOSIS MULTIPLEX CONGENITA, MYOGENIC TYPE. Identifiers: MedGen C5193121, MONDO:0032778, OMIM 618484.

Submissions (2):

Revvity Omics, Revvity
Classification: Uncertain significance. Last evaluated: 2025-06-25. Review status: criteria provided, single submitter. Criteria: ACMG Guidelines, 2015. Collection method: clinical testing. Allele origin: germline.

Breda Genetics srl
Classification: Uncertain significance for Arthrogryposis multiplex congenita 3, myogenic type. Last evaluated: 2022-07-01. Review status: criteria provided, single submitter. Criteria: ACMG Guidelines, 2015. Collection method: clinical testing. Allele origin: germline. Inheritance: Autosomal recessive inheritance. Affected: yes. Observed: 1 variant allele, 1 heterozygote.
Comment: Based on allele frequency, in-silico prediction scores and a certain overlap with the clinical phenotype, we interpreted this variant at least as of uncertain significance. The lack of one or more of the following features has discouraged further investigations: lack of a possible second hit in autosomal recessive conditions, presence of healthy controls in databases for autosomal dominant conditions, presence of unmatching cardinal clinical features in the patient or in the known gene-disease association, and/or variant type outside the known gene mutational spectrum